The following is an entry in ClinVar:

ClinVar aggregate classification (germline): Pathogenic. Review status: criteria provided, multiple submitters, no conflicts (2 of 4 stars). 2 submissions from 2 submitters: Pathogenic (2). Last evaluated 2024-12-19.

Conditions:
Hereditary factor XI deficiency disease. Also called: PLASMA THROMBOPLASTIN ANTECEDENT DEFICIENCY; PTA DEFICIENCY; ROSENTHAL SYNDROME; Congenital factor XI deficiency. Identifiers: Orphanet 329, MedGen C0015523, MeSH D005173, MONDO:0012897, OMIM 612416.

Submissions (2):

GeneDx
Classification: Pathogenic. Last evaluated: 2024-12-19. Review status: criteria provided, single submitter. Criteria: GeneDx Variant Classification Process June 2021. Collection method: clinical testing. Allele origin: germline.
Comment: Frameshift variant predicted to result in protein truncation or nonsense mediated decay in a gene for which loss of function is a known mechanism of disease; Not observed at significant frequency in large population cohorts (gnomAD); This variant is associated with the following publications: (PMID: 34776502)

Myriad Genetics, Inc.
Classification: Pathogenic for Hereditary factor XI deficiency disease. Last evaluated: 2024-05-14. Review status: criteria provided, single submitter. Criteria: Myriad Autosomal Dominant, Autosomal Recessive and X-Linked Classification Criteria (2023). Collection method: clinical testing. Allele origin: unknown.
Comment: NM_000128.3(F11):c.727dupT(S243Ffs*16) is expected to be pathogenic in the context of factor XI deficiency. This variant is predicted to lead to an abnormal or absent protein product due to the creation of a premature termination codon in F11, a gene where loss-of-function variants are known to be pathogenic. Please note: this variant was assessed in the context of healthy population screening.

NM_000128.4(F11):c.727dup (p.Ser243fs)

Gene: F11 (coagulation factor XI; plus strand). Cytogenetic location: 4q35.2.
Variant type: Duplication.
Coding change: c.727dup on transcript NM_000128.4 (MANE Select); coding-DNA position 727, one base duplicated (T; older notation c.727dupT).
Protein change: p.Ser243fs; shifts the reading frame from serine 243.
Molecular consequence: frameshift variant.
Genome position (GRCh38, 1-based): chr4:186,276,362, T duplicated; the last of 4 consecutive T bases (chr4:186,276,359-186,276,362); duplicating any one gives the same sequence. VCF-style (leftmost placement, unchanged base first): chr4-186276358-C-CT. GRCh37 (hg19) VCF-style: chr4-187197512-C-CT.
Other names: short protein forms S243fs.
Identifiers: ClinVar variation 2580632 (VCV002580632.3), dbSNP rs2477280027, ClinGen allele CA2580618136.
Genomic context (GRCh38, chr4:186,276,358, plus strand): 5'-CGATGCTTTTGTCTGTGGCCGAATCTGCACTCATCATCCCGGTTGCTTGTTTTTTACCTT[C>CT]TTTTCCCAGGAATGGCCCAAAGAATCTCAAAGGTAAGGAGTTAACAAGTAAGGATAATTT-3'